The following is an entry in ClinVar:

NM_000540.3(RYR1):c.14580C>T (p.Phe4860=)

Gene: RYR1 (ryanodine receptor 1; plus strand). Cytogenetic location: 19q13.2.
Variant type: single nucleotide variant.
Coding change: c.14580C>T on transcript NM_000540.3 (MANE Select); coding-DNA position 14580, C replaced by T.
Protein change: p.Phe4860=; no amino-acid change (phenylalanine 4860 retained).
Molecular consequence: synonymous variant.
Genome position (GRCh38, 1-based): chr19:38,580,438, C>T. VCF-style: chr19-38580438-C-T. GRCh37 (hg19) VCF-style: chr19-39071078-C-T.
Other names: c.14565C>T, p.Phe4855= (NM_001042723.2).
Identifiers: ClinVar variation 2179619 (VCV002179619.6), dbSNP rs750150252, ClinGen allele CA061395.
Genomic context (GRCh38, chr19:38,580,438, plus strand): 5'-GACCGTGGGCCTTCTGGCGGTGGTCGTCTACCTGTACACCGTGGTGGCCTTCAACTTCTT[C>T]CGCAAGTTCTACAACAAGAGCGAGGATGAGGATGAACCTGACATGAAGTGTGATGACATG-3'
Protein context (NP_000531.2, residues 4850-4870): YLYTVVAFNF[Phe4860=]RKFYNKSEDE

ClinVar aggregate classification (germline): Likely benign. Review status: criteria provided, multiple submitters, no conflicts (2 of 4 stars). 2 submissions from 2 submitters: Likely benign (2). Last evaluated 2024-08-06.

Conditions:
RYR1-related disorder. Also called: RYR1-related condition; RYR1-related disorders. Identifiers: MedGen CN239331.
Malignant hyperthermia, susceptibility to, 1 (MHS1). Also called: Anesthesia related hyperthermia; Malignant hyperpyrexia; Fulminating hyperpyrexia; Pharmacogenic myopathy; RYR1-Related Malignant Hyperthermia Susceptibility; Malignant hyperthermia suceptibility 1. Identifiers: Orphanet 423, MedGen C2930980, MONDO:0007783, OMIM 145600.

Allele frequency attached by ClinVar (database versions not stated): gnomAD exomes below 0.00001; ExAC 0.00001.
gnomAD v4.1: 2 of 1,614,148 alleles (0.00012%); highest among the groups gnomAD compares: Admixed American, 0.0033%; no homozygotes.

Submissions (2):

All of Us Research Program, National Institutes of Health
Classification: Likely benign for Malignant hyperthermia, susceptibility to, 1. Last evaluated: 2024-08-06. Review status: criteria provided, single submitter. Criteria: ACMG Guidelines, 2015. Collection method: clinical testing. Allele origin: germline. Inheritance: Autosomal dominant inheritance. Observed: 4 variant alleles, 4 heterozygotes.
Comment: This study involves interpretation of variants in research participants for the purpose of population health screening. Participant phenotype was not available at the time of variant classification. Additional details can be found in publication PMID: 35346344, PMCID: PMC8962531

Labcorp Genetics (formerly Invitae), Labcorp
Classification: Likely benign for RYR1-related disorder. Last evaluated: 2024-04-06. Review status: criteria provided, single submitter. Criteria: Invitae Variant Classification Sherloc (09022015). Collection method: clinical testing. Allele origin: germline.